The following is an entry in ClinVar:

ClinVar aggregate classification (germline): Pathogenic (1 of 4 stars; one submission).

Conditions:
X-linked agammaglobulinemia with growth hormone deficiency (IGHD3). Also called: FLEISHER SYNDROME; HYPOGAMMAGLOBULINEMIA AND ISOLATED GROWTH HORMONE DEFICIENCY, X-LINKED; IGHD III; AGAMMAGLOBULINEMIA AND ISOLATED GROWTH HORMONE DEFICIENCY, X-LINKED; Isolated growth hormone deficiency type 3; Growth hormone deficiency with hypogammaglobulinemia. Identifiers: Orphanet 231692, Orphanet 631, MedGen C0472813, MONDO:0010615, OMIM 307200.

Submissions (2):

Labcorp Genetics (formerly Invitae), Labcorp
Classification: Pathogenic for X-linked agammaglobulinemia with growth hormone deficiency. Last evaluated: 2019-08-20. Review status: criteria provided, single submitter. Criteria: Invitae Variant Classification Sherloc (09022015). Collection method: clinical testing. Allele origin: germline.
Comment: For these reasons, this variant has been classified as Pathogenic. Loss-of-function variants in BTK are known to be pathogenic (PMID: 15661032, 16862044, 19419768). Algorithms developed to predict the effect of sequence changes on RNA splicing suggest that this variant may create or strengthen a splice site, but this prediction has not been confirmed by published transcriptional studies. This variant has not been reported in the literature in individuals with BTK-related conditions. This variant is not present in population databases (ExAC no frequency). This sequence change creates a premature translational stop signal (p.Glu589*) in the BTK gene. It is expected to result in an absent or disrupted protein product.

Dr. Peter K. Rogan Lab, Western University
No classification provided (evidence only). Condition: Thyroid cancer, nonmedullary, 1. Review status: no classification provided. Collection method: in vitro. Allele origin: not applicable. Functional consequence: retained intron. Not counted in ClinVar's aggregate classification.

Literature cited by the submitters: PubMed 15661032 (cited by Labcorp Genetics (formerly Invitae), Labcorp); PubMed 16862044 (cited by Labcorp Genetics (formerly Invitae), Labcorp); PubMed 19419768 (cited by Labcorp Genetics (formerly Invitae), Labcorp).

NM_000061.3(BTK):c.1765G>T (p.Glu589Ter)

Gene: BTK (Bruton tyrosine kinase; minus strand). Cytogenetic location: Xq22.1.
Variant type: single nucleotide variant.
Coding change: c.1765G>T on transcript NM_000061.3 (MANE Select); coding-DNA position 1765, G replaced by T.
Protein change: p.Glu589Ter; replaces glutamic acid 589 with a stop codon.
Molecular consequence: nonsense.
Genome position (GRCh38, 1-based): chrX:101,353,337, C>A on the plus strand (G>T on the coding strand, the complement: BTK is on the minus strand). VCF-style: chrX-101353337-C-A. GRCh37 (hg19) VCF-style: chrX-100608325-C-A.
Other names: c.1867G>T, p.Glu623Ter (NM_001287344.2); c.1237G>T, p.Glu413Ter (NM_001287345.2); short protein forms E589*, E413*, E623*.
Identifiers: ClinVar variation 939796 (VCV000939796.9), dbSNP rs1926358858, ClinGen allele CA413919533.